The following is an entry in ClinVar:

ClinVar aggregate classification (germline): Uncertain significance (1 of 4 stars; one submission).

Submission:

GeneDx
Classification: Uncertain significance. Last evaluated: 2026-03-11. Review status: criteria provided, single submitter. Criteria: GeneDx Variant Classification Process June 2021. Collection method: clinical testing. Allele origin: germline.
Comment: Not observed at significant frequency in large population cohorts (gnomAD); In silico analysis suggests that this missense variant does not alter protein structure/function; Has not been previously published as pathogenic or benign to our knowledge

NM_003482.4(KMT2D):c.1075C>A (p.Arg359Ser)

Gene: KMT2D (lysine methyltransferase 2D; minus strand). Cytogenetic location: 12q13.12.
Variant type: single nucleotide variant.
Coding change: c.1075C>A on transcript NM_003482.4 (MANE Select); coding-DNA position 1075, C replaced by A.
Protein change: p.Arg359Ser; replaces arginine 359 with serine.
Molecular consequence: missense variant.
Genome position (GRCh38, 1-based): chr12:49,052,952, G>T on the plus strand (C>A on the coding strand, the complement: KMT2D is on the minus strand). VCF-style: chr12-49052952-G-T. GRCh37 (hg19) VCF-style: chr12-49446735-G-T.
Other names: short protein forms R359S.
Identifiers: ClinVar variation 5008856 (VCV005008856.1).